The following is an entry in ClinVar:

ClinVar aggregate classification (germline): Benign. Review status: criteria provided, multiple submitters, no conflicts (2 of 4 stars). 3 submissions from 3 submitters: Benign (3). Last evaluated 2022-03-17.

Allele frequency attached by ClinVar (database versions not stated): gnomAD 0.04972 and 0.04887; gnomAD exomes 0.05260; 1000 Genomes Project 30x 0.03592; ExAC 0.08523.

Submissions (3):

Mayo Clinic Laboratories, Mayo Clinic
Classification: Benign. Last evaluated: 2022-03-17. Review status: criteria provided, single submitter. Criteria: ACMG Guidelines, 2015. Collection method: clinical testing. Allele origin: germline. Observed: 529 variant alleles.
Comment: BA1, BP7

GeneDx
Classification: Benign. Last evaluated: 2018-07-09. Review status: criteria provided, single submitter. Criteria: GeneDx Variant Classification Process June 2021. Collection method: clinical testing. Allele origin: germline. Affected: yes.

PreventionGenetics, part of Exact Sciences
Classification: Benign. Review status: criteria provided, single submitter. Criteria: ACMG Guidelines, 2015. Collection method: clinical testing. Allele origin: germline.

NM_001365276.2(TNXB):c.10893G>A (p.Lys3631=)

Genes: TNXB (tenascin XB; minus strand), LOC106780803 (tenascin XB recombination region; plus strand). Cytogenetic location: 6p21.33.
Variant type: single nucleotide variant.
Coding change: c.10893G>A on transcript NM_001365276.2 (MANE Select); coding-DNA position 10893, G replaced by A.
Protein change: p.Lys3631=; no amino-acid change (lysine 3631 retained).
Molecular consequence: synonymous variant.
Genome position (GRCh38, 1-based): chr6:32,045,040, C>T on the plus strand (G>A on the coding strand, the complement: TNXB is on the minus strand). VCF-style: chr6-32045040-C-T. GRCh37 (hg19) VCF-style: chr6-32012817-C-T.
Other names: p.Lys3629=; c.10887G>A, p.Lys3629= (NM_019105.8); c.180G>A, p.Lys60= (NM_032470.4).
Identifiers: ClinVar variation 261099 (VCV000261099.5), dbSNP rs113926083, ClinGen allele CA3733113.
Genomic context (GRCh38, chr6:32,045,040, plus strand): 5'-TAGAGGCCGGAGACGCCTGGTGGTACCTGTGGTGCCCTCAGCTGAGAGGGGCCCCAGGCG[C>T]TTCCCTTCATGGAGGCCATAGAGGAGGAACCTGTAGGGGGTGCTGGGCTCCAGGCCTGAG-3'
Protein context (NP_001352205.1, residues 3621-3641): RFLLYGLHEG[Lys3631=]RLGPLSAEGT